The following is an entry in ClinVar:

ClinVar aggregate classification (germline): Likely pathogenic. Review status: criteria provided, single submitter (1 of 4 stars). 2 submissions from 2 submitters: Likely pathogenic (1). 1 of the submissions does not count toward it. Last evaluated 2023-05-26.

Conditions:
Fetal akinesia deformation sequence 1 (FADS1). Also called: Pena-Shokeir syndrome type I; Fetal akinesia sequence. Identifiers: Orphanet 994, MedGen C1276035, MONDO:0100101, OMIM 208150, HP:0001989.
GLDN-related disorders.

Allele frequency attached by ClinVar (database versions not stated): ExAC 0.00001; gnomAD 0.00001; gnomAD exomes 0.00001; TOPMed 0.00001; ESP Exome Variant Server 0.00008.
gnomAD v4.1: 15 of 1,614,000 alleles (0.00093%); highest among the groups gnomAD compares: Non-Finnish European, 0.0013%; no homozygotes.

Submissions (2):

Blueprint Genetics
Classification: Likely pathogenic for GLDN-related disorders. Last evaluated: 2023-05-26. Review status: criteria provided, single submitter. Criteria: ACMG Guidelines, 2015. Collection method: clinical testing. Allele origin: germline. Affected: yes. Observed: 3 variant alleles.

Pediatric Genomics Discovery Program, Yale University
Classification: Likely pathogenic for Fetal akinesia deformation sequence 1. Last evaluated: 2020-02-17. Review status: no assertion criteria provided. Collection method: research, in vitro. Allele origin: maternal, not applicable. Inheritance: Autosomal recessive inheritance. Affected: yes. Functional consequence: effect on protein subcellular localization. Not counted in ClinVar's aggregate classification.
Comment: The p.L365F variant in GLDN is likely pathogenic due to (a) functional evidence aggregated in vitro by our program utilizing experimental methods previously employed by Maluenda et al., 2016, showing that p.L365F causes GLDN protein to be mislocalized from the cell surface and (b) its rareness in the general population (Karczewski et al., 2019).

NM_181789.4(GLDN):c.1093C>T (p.Leu365Phe)

Gene: GLDN (gliomedin; plus strand). Cytogenetic location: 15q21.2.
Variant type: single nucleotide variant.
Coding change: c.1093C>T on transcript NM_181789.4 (MANE Select); coding-DNA position 1093, C replaced by T.
Protein change: p.Leu365Phe; replaces leucine 365 with phenylalanine.
Molecular consequence: missense variant.
Genome position (GRCh38, 1-based): chr15:51,401,658, C>T. VCF-style: chr15-51401658-C-T. GRCh37 (hg19) VCF-style: chr15-51693855-C-T.
Other names: c.721C>T, p.Leu241Phe (NM_001330297.2); short protein forms L241F, L365F.
Identifiers: ClinVar variation 813290 (VCV000813290.7), dbSNP rs376573993, ClinGen allele CA7560672.